The following is an entry in ClinVar:

ClinVar aggregate classification (germline): Pathogenic (1 of 4 stars; one submission).

Conditions:
Autosomal recessive nonsyndromic hearing loss 3. Also called: NEUROSENSORY NONSYNDROMIC RECESSIVE DEAFNESS 3. Identifiers: Orphanet 90636, MedGen C1838263, MONDO:0010860, OMIM 600316.

Submission:

Institute of Rare Diseases, West China Hospital, Sichuan University
Classification: Pathogenic for Autosomal recessive nonsyndromic hearing loss 3. Last evaluated: 2025-01-09. Review status: criteria provided, single submitter. Criteria: ClinGen HL ACMG Specifications v1. Collection method: research. Allele origin: germline. Affected: yes.
Comment: PVS1;PM3;PM2_Supporting

NM_016239.4(MYO15A):c.8613C>A (p.Tyr2871Ter)

Gene: MYO15A (myosin XVA; plus strand). Cytogenetic location: 17p11.2.
Variant type: single nucleotide variant.
Coding change: c.8613C>A on transcript NM_016239.4 (MANE Select); coding-DNA position 8613, C replaced by A.
Protein change: p.Tyr2871Ter; replaces tyrosine 2871 with a stop codon.
Molecular consequence: nonsense.
Genome position (GRCh38, 1-based): chr17:18,156,965, C>A. VCF-style: chr17-18156965-C-A. GRCh37 (hg19) VCF-style: chr17-18060279-C-A.
Other names: short protein forms Y2871*.
Identifiers: ClinVar variation 3601404 (VCV003601404.1).